The following is an entry in ClinVar:

ClinVar aggregate classification (germline): Uncertain significance (1 of 4 stars; one submission).

Conditions:
Angelman syndrome (AS). Also called: HAPPY PUPPET SYNDROME. Identifiers: Orphanet 72, MedGen C0162635, MONDO:0007113, OMIM 105830. Disease mechanism: loss of function. Inheritance: AS is caused by disruption of maternally imprinted UBE3A located within the 15q11.2-q13 Angelman syndrome/Prader-Willi syndrome (AS/PWS) region., imprinting disorder.

Submission:

Labcorp Genetics (formerly Invitae), Labcorp
Classification: Uncertain significance for Angelman syndrome. Last evaluated: 2020-08-14. Review status: criteria provided, single submitter. Criteria: Invitae Variant Classification Sherloc (09022015). Collection method: clinical testing. Allele origin: germline.
Comment: This sequence change replaces glutamic acid with alanine at codon 24 of the UBE3A protein (p.Glu24Ala). The glutamic acid residue is moderately conserved and there is a moderate physicochemical difference between glutamic acid and alanine. This variant is not present in population databases (ExAC no frequency). This variant has not been reported in the literature in individuals with UBE3A-related conditions. Algorithms developed to predict the effect of missense changes on protein structure and function are either unavailable or do not agree on the potential impact of this missense change (SIFT: "Not Available"; PolyPhen-2: "Benign"; Align-GVGD: "Not Available"). In summary, the available evidence is currently insufficient to determine the role of this variant in disease. Therefore, it has been classified as a Variant of Uncertain Significance.

NM_130839.5(UBE3A):c.131A>C (p.Glu44Ala)

Genes: SNHG14 (small nucleolar RNA host gene 14; plus strand), UBE3A (ubiquitin protein ligase E3A; minus strand). Cytogenetic location: 15q11.2.
Variant type: single nucleotide variant.
Coding change: c.131A>C on transcript NM_130839.5 (MANE Select); coding-DNA position 131, A replaced by C.
Protein change: p.Glu44Ala; replaces glutamic acid 44 with alanine.
Molecular consequence: missense variant. On other transcripts: 5 prime UTR variant (1), non-coding transcript variant (1).
Genome position (GRCh38, 1-based): chr15:25,375,695, T>G on the plus strand (A>C on the coding strand, the complement: UBE3A is on the minus strand). VCF-style: chr15-25375695-T-G. GRCh37 (hg19) VCF-style: chr15-25620842-T-G.
Other names: c.140A>C, p.Glu47Ala (NM_000462.5); c.131A>C, p.Glu44Ala (NM_001354505.1, NM_001354538.2, NM_001354545.2 and 1 more transcripts); c.71A>C, p.Glu24Ala (NM_001354506.2, NM_001354507.2, NM_001354508.2 and 18 more transcripts); c.-47A>C (NM_001354546.2); short protein forms E24A, E44A, E47A.
Identifiers: ClinVar variation 1009993 (VCV001009993.7), dbSNP rs2081089937, ClinGen allele CA391356569.